The following is an entry in ClinVar:

NM_001127222.2(CACNA1A):c.3409C>A (p.Pro1137Thr)

Gene: CACNA1A (calcium voltage-gated channel subunit alpha1 A; minus strand). Cytogenetic location: 19p13.13.
Variant type: single nucleotide variant.
Coding change: c.3409C>A on transcript NM_001127222.2 (MANE Select); coding-DNA position 3409, C replaced by A.
Protein change: p.Pro1137Thr; replaces proline 1137 with threonine.
Molecular consequence: missense variant.
Genome position (GRCh38, 1-based): chr19:13,286,647, G>T on the plus strand (C>A on the coding strand, the complement: CACNA1A is on the minus strand). VCF-style: chr19-13286647-G-T. GRCh37 (hg19) VCF-style: chr19-13397461-G-T.
Other names: c.3421C>A, p.Pro1141Thr (NM_000068.4, NM_023035.3); c.3412C>A, p.Pro1138Thr (NM_001127221.2, NM_001174080.2); short protein forms P1137T, P1138T, P1141T.
Identifiers: ClinVar variation 2933391 (VCV002933391.4), dbSNP rs199793367, ClinGen allele CA404341429.
Genomic context (GRCh38, chr19:13,286,647, plus strand): 5'-CTGAATTGGTCTGGGTGCCGCTGGGGTTGGTGACGATAAGGCTATTCTCGGGGGTCTTGG[G>T]GGGGCCGGGATTGGATGGGTTCCCCGGGTTGTTGGGCGTCCGGCGGCTGGCGGCGTTCTG-3'
Protein context (NP_001120694.1, residues 1127-1147): NPGNPSNPGP[Pro1137Thr]KTPENSLIVT

ClinVar aggregate classification (germline): Uncertain significance. Review status: criteria provided, multiple submitters, no conflicts (2 of 4 stars). 2 submissions from 2 submitters: Uncertain significance (2). Last evaluated 2024-10-09.

Conditions:
Episodic ataxia type 2 (EA2). Also called: CEREBELLAR ATAXIA, PAROXYSMAL, ACETAZOLAMIDE-RESPONSIVE; CEREBELLOPATHY, HEREDITARY PAROXYSMAL; EPISODIC ATAXIA, NYSTAGMUS-ASSOCIATED; ACETAZOLAMIDE-RESPONSIVE HEREDITARY PAROXYSMAL CEREBELLAR ATAXIA; ATAXIA, EPISODIC, WITH NYSTAGMUS; ATAXIA, FAMILIAL PAROXYSMAL. Identifiers: Orphanet 97, MedGen C1720416, MONDO:0007163, OMIM 108500.
Developmental and epileptic encephalopathy, 42 (DEE42A). Also called: Epileptic encephalopathy, early infantile, 42; DEVELOPMENTAL AND EPILEPTIC ENCEPHALOPATHY 42A; EPILEPTIC ENCEPHALOPATHY, EARLY INFANTILE, 42A. Identifiers: MedGen C4310716, MONDO:0014917, OMIM 617106.

gnomAD v4.1: 1 of 1,543,218 alleles (0.000065%); highest among the groups gnomAD compares: Non-Finnish European, 0.000087%; no homozygotes.

Submissions (2):

Revvity Omics, Revvity
Classification: Uncertain significance. Last evaluated: 2024-10-09. Review status: criteria provided, single submitter. Criteria: ACMG Guidelines, 2015. Collection method: clinical testing. Allele origin: germline.

Labcorp Genetics (formerly Invitae), Labcorp
Classification: Uncertain significance for Developmental and epileptic encephalopathy, 42; Episodic ataxia type 2. Last evaluated: 2023-07-13. Review status: criteria provided, single submitter. Criteria: Invitae Variant Classification Sherloc (09022015). Collection method: clinical testing. Allele origin: germline.
Comment: This variant is not present in population databases (gnomAD no frequency). This variant has not been reported in the literature in individuals affected with CACNA1A-related conditions. Advanced modeling of protein sequence and biophysical properties (such as structural, functional, and spatial information, amino acid conservation, physicochemical variation, residue mobility, and thermodynamic stability) performed at Invitae indicates that this missense variant is not expected to disrupt CACNA1A protein function. In summary, the available evidence is currently insufficient to determine the role of this variant in disease. Therefore, it has been classified as a Variant of Uncertain Significance. This sequence change replaces proline, which is neutral and non-polar, with threonine, which is neutral and polar, at codon 1138 of the CACNA1A protein (p.Pro1138Thr).